The following is an entry in ClinVar:

NM_001354768.3(NRL):c.172A>T (p.Met58Leu)

Gene: NRL (neural retina leucine zipper; minus strand). Cytogenetic location: 14q11.2.
Variant type: single nucleotide variant.
Coding change: c.172A>T on transcript NM_001354768.3 (MANE Select); coding-DNA position 172, A replaced by T.
Protein change: p.Met58Leu; replaces methionine 58 with leucine.
Molecular consequence: missense variant. On other transcripts: intron variant (1).
Genome position (GRCh38, 1-based): chr14:24,082,677, T>A on the plus strand (A>T on the coding strand, the complement: NRL is on the minus strand). VCF-style: chr14-24082677-T-A. GRCh37 (hg19) VCF-style: chr14-24551886-T-A.
Other names: c.172A>T, p.Met58Leu (NM_001354769.1, NM_006177.5); c.66+106A>T (NM_001354770.2); short protein forms M58L.
Identifiers: ClinVar variation 1947847 (VCV001947847.5), dbSNP rs932990682, ClinGen allele CA257868829.

ClinVar aggregate classification (germline): Uncertain significance (1 of 4 stars; one submission).

Allele frequency attached by ClinVar (database versions not stated): TOPMed 0.00003; gnomAD 0.00004.
gnomAD v4.1: 10 of 1,613,986 alleles (0.00062%); highest among the groups gnomAD compares: African/African-American, 0.013%; no homozygotes.

Submission:

Labcorp Genetics (formerly Invitae), Labcorp
Classification: Uncertain significance. Last evaluated: 2025-11-22. Review status: criteria provided, single submitter. Criteria: Invitae Variant Classification Sherloc (09022015). Collection method: clinical testing. Allele origin: germline.
Comment: This sequence change replaces methionine, which is neutral and non-polar, with leucine, which is neutral and non-polar, at codon 58 of the NRL protein (p.Met58Leu). This variant is present in population databases (no rsID available, gnomAD 0.01%). This variant has not been reported in the literature in individuals affected with NRL-related conditions. ClinVar contains an entry for this variant (Variation ID: 1947847). An algorithm developed to predict the effect of missense changes on protein structure and function outputs the following: PolyPhen-2: "Benign". The leucine amino acid residue is found in multiple mammalian species, which suggests that this missense change does not adversely affect protein function. In summary, the available evidence is currently insufficient to determine the role of this variant in disease. Therefore, it has been classified as a Variant of Uncertain Significance.